The following is an entry in ClinVar:

ClinVar aggregate classification (germline): Uncertain significance (1 of 4 stars; one submission).

Submission:

Labcorp Genetics (formerly Invitae), Labcorp
Classification: Uncertain significance. Last evaluated: 2020-10-04. Review status: criteria provided, single submitter. Criteria: Invitae Variant Classification Sherloc (09022015). Collection method: clinical testing. Allele origin: germline.
Comment: In summary, the available evidence is currently insufficient to determine the role of this variant in disease. Therefore, it has been classified as a Variant of Uncertain Significance. Algorithms developed to predict the effect of missense changes on protein structure and function are either unavailable or do not agree on the potential impact of this missense change (SIFT: "Tolerated"; PolyPhen-2: "Probably Damaging"; Align-GVGD: "Class C0"). This variant has not been reported in the literature in individuals with ATR-related conditions. This variant is not present in population databases (ExAC no frequency). This sequence change replaces leucine with phenylalanine at codon 1673 of the ATR protein (p.Leu1673Phe). The leucine residue is highly conserved and there is a small physicochemical difference between leucine and phenylalanine.

NM_001184.4(ATR):c.5017C>T (p.Leu1673Phe)

Gene: ATR (ATR checkpoint kinase; minus strand). Cytogenetic location: 3q23.
Variant type: single nucleotide variant.
Coding change: c.5017C>T on transcript NM_001184.4 (MANE Select); coding-DNA position 5017, C replaced by T.
Protein change: p.Leu1673Phe; replaces leucine 1673 with phenylalanine.
Molecular consequence: missense variant.
Genome position (GRCh38, 1-based): chr3:142,507,945, G>A on the plus strand (C>T on the coding strand, the complement: ATR is on the minus strand). VCF-style: chr3-142507945-G-A. GRCh37 (hg19) VCF-style: chr3-142226787-G-A.
Other names: c.4825C>T, p.Leu1609Phe (NM_001354579.2); short protein forms L1609F, L1673F.
Identifiers: ClinVar variation 999450 (VCV000999450.8), dbSNP rs2032341090, ClinGen allele CA354820377.